The following is an entry in ClinVar:

ClinVar aggregate classification (germline): Uncertain significance. Review status: criteria provided, multiple submitters, no conflicts (2 of 4 stars). 2 submissions from 2 submitters: Uncertain significance (2). Last evaluated 2025-06-10.

Conditions:
Charcot-Marie-Tooth disease type 2. Also called: Charcot-Marie-Tooth type 2. Identifiers: Orphanet 64746, MedGen C0270914, MONDO:0018993.
Inborn genetic diseases. Identifiers: MedGen C0950123, MeSH D030342.

Allele frequency attached by ClinVar (database versions not stated): gnomAD exomes below 0.00001.
gnomAD v4.1: 6 of 1,613,978 alleles (0.00037%); highest among the groups gnomAD compares: South Asian, 0.0055%; no homozygotes.

Submissions (2):

Ambry Genetics
Classification: Uncertain significance for Inborn genetic diseases. Last evaluated: 2025-06-10. Review status: criteria provided, single submitter. Criteria: Ambry Variant Classification Scheme 2023. Collection method: clinical testing. Allele origin: germline.

Labcorp Genetics (formerly Invitae), Labcorp
Classification: Uncertain significance for Charcot-Marie-Tooth disease type 2. Last evaluated: 2023-11-07. Review status: criteria provided, single submitter. Criteria: Invitae Variant Classification Sherloc (09022015). Collection method: clinical testing. Allele origin: germline.
Comment: This sequence change replaces isoleucine, which is neutral and non-polar, with valine, which is neutral and non-polar, at codon 195 of the AARS protein (p.Ile195Val). This variant is present in population databases (no rsID available, gnomAD 0.003%). This variant has not been reported in the literature in individuals affected with AARS-related conditions. Advanced modeling of protein sequence and biophysical properties (such as structural, functional, and spatial information, amino acid conservation, physicochemical variation, residue mobility, and thermodynamic stability) performed at Invitae indicates that this missense variant is not expected to disrupt AARS protein function with a negative predictive value of 95%. In summary, the available evidence is currently insufficient to determine the role of this variant in disease. Therefore, it has been classified as a Variant of Uncertain Significance.

NM_001605.3(AARS1):c.583A>G (p.Ile195Val)

Gene: AARS1 (alanyl-tRNA synthetase 1; minus strand). Cytogenetic location: 16q22.1.
Variant type: single nucleotide variant.
Coding change: c.583A>G on transcript NM_001605.3 (MANE Select); coding-DNA position 583, A replaced by G.
Protein change: p.Ile195Val; replaces isoleucine 195 with valine.
Molecular consequence: missense variant.
Genome position (GRCh38, 1-based): chr16:70,271,869, T>C on the plus strand (A>G on the coding strand, the complement: AARS1 is on the minus strand). VCF-style: chr16-70271869-T-C. GRCh37 (hg19) VCF-style: chr16-70305772-T-C.
Other names: short protein forms I195V.
Identifiers: ClinVar variation 3015198 (VCV003015198.4), dbSNP rs1232245489, ClinGen allele CA396566734.
Genomic context (GRCh38, chr16:70,271,869, plus strand): 5'-AGATCTCCAGCACATTAGGGTCGTCCTGGTTGACAAGATGTGCGGCGTCCCGACCACCAA[T>C]CCGGTCGTAGTGGATCTCACTGCAAGGACCACAGGGGCCCGTGTCACCCATCTCCCAGAA-3'
Protein context (NP_001596.2, residues 185-205): GPCSEIHYDR[Ile195Val]GGRDAAHLVN